The following is an entry in ClinVar:

NM_177550.5(SLC13A5):c.919C>T (p.Arg307Trp)

Gene: SLC13A5 (solute carrier family 13 member 5; minus strand). Cytogenetic location: 17p13.1.
Variant type: single nucleotide variant.
Coding change: c.919C>T on transcript NM_177550.5 (MANE Select); coding-DNA position 919, C replaced by T.
Protein change: p.Arg307Trp; replaces arginine 307 with tryptophan.
Molecular consequence: missense variant.
Genome position (GRCh38, 1-based): chr17:6,695,862, G>A on the plus strand (C>T on the coding strand, the complement: SLC13A5 is on the minus strand). VCF-style: chr17-6695862-G-A. GRCh37 (hg19) VCF-style: chr17-6599181-G-A.
Other names: c.919C>T, p.Arg307Trp (NM_001143838.3); c.868C>T, p.Arg290Trp (NM_001284509.2); c.790C>T, p.Arg264Trp (NM_001284510.2); short protein forms R290W, R264W, R307W.
Identifiers: ClinVar variation 944203 (VCV000944203.5), dbSNP rs769595777, ClinGen allele CA8331572.

ClinVar aggregate classification (germline): Uncertain significance (1 of 4 stars; one submission).

Conditions:
Developmental and epileptic encephalopathy, 25 (DEE25). Also called: Epileptic encephalopathy, early infantile, 25; Developmental and epileptic encephalopathy 25, with amelogenesis imperfecta; Epileptic encephalopathy, early infantile, 25, with amelogenesis imperfecta. Identifiers: Orphanet 442835, MedGen C4014621, MONDO:0014392, OMIM 615905.

Allele frequency attached by ClinVar (database versions not stated): TOPMed 0.00001; ExAC 0.00002.

Submission:

Labcorp Genetics (formerly Invitae), Labcorp
Classification: Uncertain significance for Developmental and epileptic encephalopathy, 25. Last evaluated: 2021-11-01. Review status: criteria provided, single submitter. Criteria: Invitae Variant Classification Sherloc (09022015). Collection method: clinical testing. Allele origin: germline.
Comment: This sequence change replaces arginine, which is basic and polar, with tryptophan, which is neutral and slightly polar, at codon 307 of the SLC13A5 protein (p.Arg307Trp). This variant is present in population databases (rs769595777, gnomAD 0.01%). This variant has not been reported in the literature in individuals affected with SLC13A5-related conditions. ClinVar contains an entry for this variant (Variation ID: 944203). Algorithms developed to predict the effect of missense changes on protein structure and function are either unavailable or do not agree on the potential impact of this missense change (SIFT: "Deleterious"; PolyPhen-2: "Possibly Damaging"; Align-GVGD: "Class C0"). In summary, the available evidence is currently insufficient to determine the role of this variant in disease. Therefore, it has been classified as a Variant of Uncertain Significance.